The following is an entry in ClinVar:

NM_015557.3(CHD5):c.1591-8A>G

Gene: CHD5 (chromodomain helicase DNA binding protein 5; minus strand). Cytogenetic location: 1p36.31.
Variant type: single nucleotide variant.
Coding change: c.1591-8A>G on transcript NM_015557.3 (MANE Select); 8 bases into the intron before coding-DNA position 1591, A replaced by G.
Molecular consequence: intron variant.
Genome position (GRCh38, 1-based): chr1:6,146,431, T>C on the plus strand (A>G on the coding strand, the complement: CHD5 is on the minus strand). VCF-style: chr1-6146431-T-C. GRCh37 (hg19) VCF-style: chr1-6206491-T-C.
Identifiers: ClinVar variation 3336164 (VCV003336164.1).

ClinVar aggregate classification (germline): Uncertain significance (1 of 4 stars; one submission).

gnomAD v4.1: 11 of 1,611,854 alleles (0.00068%); highest among the groups gnomAD compares: Admixed American, 0.005%; no homozygotes.

Submission:

Women's Health and Genetics/Laboratory Corporation of America, LabCorp
Classification: Uncertain significance. Last evaluated: 2024-05-06. Review status: criteria provided, single submitter. Criteria: LabCorp Variant Classification Summary - May 2015. Collection method: clinical testing. Allele origin: germline.
Comment: Variant summary: CHD5 c.1591-8A>G alters a non-conserved nucleotide located close to a canonical splice site and therefore could affect mRNA splicing, leading to a significantly altered protein sequence. Consensus agreement among computation tools predict no significant impact on normal splicing. However, these predictions have yet to be confirmed by functional studies. The variant allele was found at a frequency of 1.2e-05 in 249524 control chromosomes (gnomAD). The available data on variant occurrences in the general population are insufficient to allow any conclusion about variant significance. To our knowledge, no occurrence of c.1591-8A>G in individuals affected with Parenti-Mignot neurodevelopmental syndrome and no experimental evidence demonstrating its impact on protein function have been reported. No submitters have cited clinical-significance assessments for this variant to ClinVar. Based on the evidence outlined above, the variant was classified as uncertain significance.